The following is an entry in ClinVar:

ClinVar aggregate classification (germline): Likely benign (1 of 4 stars; one submission).

Conditions:
MEPE-related disorder. Also called: MEPE-related condition.

gnomAD v4.1: 242 of 1,613,838 alleles (0.015%); highest among the groups gnomAD compares: African/African-American, 0.26%; 1 homozygote.

Submission:

PreventionGenetics, part of Exact Sciences
Classification: Likely benign for MEPE-related condition. Last evaluated: 2025-02-07. Review status: criteria provided, single submitter. Criteria: ACMG Guidelines, 2015. Collection method: clinical testing. Allele origin: germline.
Comment: This variant is classified as likely benign based on ACMG/AMP sequence variant interpretation guidelines (Richards et al. 2015 PMID: 25741868, with internal and published modifications).

NM_020203.6(MEPE):c.889G>C (p.Asp297His)

Genes: MEPE (matrix extracellular phosphoglycoprotein; plus strand), MEPE-AS1 (MEPE and IBSP antisense RNA 1; minus strand). Cytogenetic location: 4q22.1.
Variant type: single nucleotide variant.
Coding change: c.889G>C on transcript NM_020203.6 (MANE Select); coding-DNA position 889, G replaced by C.
Protein change: p.Asp297His; replaces aspartic acid 297 with histidine.
Molecular consequence: missense variant.
Genome position (GRCh38, 1-based): chr4:87,845,757, G>C. VCF-style: chr4-87845757-G-C. GRCh37 (hg19) VCF-style: chr4-88766909-G-C.
Other names: c.889G>C, p.Asp297His (NM_001184694.3); c.550G>C, p.Asp184His (NM_001184695.4, NM_001184696.2, NM_001184697.2); c.982G>C, p.Asp328His (NM_001291183.2); short protein forms D297H, D184H, D328H.
Identifiers: ClinVar variation 4980704 (VCV004980704.1).
Genomic context (GRCh38, chr4:87,845,757, plus strand): 5'-GAAGGCAAAGATATTCAAACAGGGTTTGCAGGCCCAAGTGAAGCTGAGAGTACTCATCTT[G>C]ACACAAAAAAGCCAGGTTATAATGAGATCCCAGAGAGAGAAGAAAATGGTGGAAATACCA-3'
Protein context (NP_064588.1, residues 287-307): GPSEAESTHL[Asp297His]TKKPGYNEIP